The following is an entry in ClinVar:

ClinVar aggregate classification (germline): Uncertain significance. Review status: criteria provided, multiple submitters, no conflicts (2 of 4 stars). 3 submissions from 3 submitters: Uncertain significance (3). Last evaluated 2025-06-25.

Conditions:
Inborn genetic diseases. Identifiers: MedGen C0950123, MeSH D030342.
Peters plus syndrome. Also called: KRAUSE-KIVLIN SYNDROME. Identifiers: Orphanet 709, MedGen C0796012, MONDO:0009856, OMIM 261540.

Allele frequency attached by ClinVar (database versions not stated): ESP Exome Variant Server 0.00015; TOPMed 0.00023.
gnomAD v4.1: 382 of 1,613,946 alleles (0.024%); highest among the groups gnomAD compares: Non-Finnish European, 0.031%; no homozygotes.

Submissions (3):

Ambry Genetics
Classification: Uncertain significance for Inborn genetic diseases. Last evaluated: 2025-06-25. Review status: criteria provided, single submitter. Criteria: Ambry Variant Classification Scheme 2023. Collection method: clinical testing. Allele origin: germline.

Labcorp Genetics (formerly Invitae), Labcorp
Classification: Uncertain significance for Peters plus syndrome. Last evaluated: 2021-04-18. Review status: criteria provided, single submitter. Criteria: Invitae Variant Classification Sherloc (09022015). Collection method: clinical testing. Allele origin: germline.
Comment: In summary, the available evidence is currently insufficient to determine the role of this variant in disease. Therefore, it has been classified as a Variant of Uncertain Significance. Algorithms developed to predict the effect of missense changes on protein structure and function are either unavailable or do not agree on the potential impact of this missense change (SIFT: "Deleterious"; PolyPhen-2: "Probably Damaging"; Align-GVGD: "Class C15"). This variant has not been reported in the literature in individuals with B3GLCT-related conditions. ClinVar contains an entry for this variant (Variation ID: 391975). This variant is present in population databases (rs141036237, ExAC 0.02%). This sequence change replaces aspartic acid with tyrosine at codon 469 of the B3GLCT protein (p.Asp469Tyr). The aspartic acid residue is highly conserved and there is a large physicochemical difference between aspartic acid and tyrosine.

GeneDx
Classification: Uncertain significance. Last evaluated: 2018-04-25. Review status: criteria provided, single submitter. Criteria: GeneDx Variant Classification (06012015). Collection method: clinical testing. Allele origin: germline. Affected: yes.
Comment: The D469Y variant in the B3GLCT gene has not been reported previously as a pathogenic variant, nor as a benign variant, to our knowledge. The D469Y variant is observed in 30/126728 (0.024%) alleles from individuals of non-Finnish European background in large population cohorts (Lek et al., 2016). The D469Y variant is a non-conservative amino acid substitution, which is likely to impact secondary protein structure as these residues differ in polarity, charge, size and/or other properties. In-silico analyses, including protein predictors and evolutionary conservation, support a deleterious effect. We interpret D469Y as a variant of uncertain significance.

NM_194318.4(B3GLCT):c.1405G>T (p.Asp469Tyr)

Gene: B3GLCT (beta 3-glucosyltransferase; plus strand). Cytogenetic location: 13q12.3.
Variant type: single nucleotide variant.
Coding change: c.1405G>T on transcript NM_194318.4 (MANE Select); coding-DNA position 1405, G replaced by T.
Protein change: p.Asp469Tyr; replaces aspartic acid 469 with tyrosine.
Molecular consequence: missense variant.
Genome position (GRCh38, 1-based): chr13:31,329,576, G>T. VCF-style: chr13-31329576-G-T. GRCh37 (hg19) VCF-style: chr13-31903713-G-T.
Other names: short protein forms D469Y.
Identifiers: ClinVar variation 391975 (VCV000391975.10), dbSNP rs141036237, ClinGen allele CA6936928.
Genomic context (GRCh38, chr13:31,329,576, plus strand): 5'-TACCCTAAGGACTACCTTTCTCATCAAGTTCCCATATCGTTCCACAAACACTGGAACATC[G>T]ATCCAGTGAAGGTGTATTTCACATGGTTGGCACCCAGTGACGAAGACAAAGCCAGGCAGG-3'
Protein context (NP_919299.3, residues 459-479): PISFHKHWNI[Asp469Tyr]PVKVYFTWLA